The following is an entry in ClinVar:

NM_001256789.3(CACNA1F):c.248G>A (p.Arg83Gln)

Gene: CACNA1F (calcium voltage-gated channel subunit alpha1 F; minus strand). Cytogenetic location: Xp11.23.
Variant type: single nucleotide variant.
Coding change: c.248G>A on transcript NM_001256789.3 (MANE Select); coding-DNA position 248, G replaced by A.
Protein change: p.Arg83Gln; replaces arginine 83 with glutamine.
Molecular consequence: missense variant. On other transcripts: intron variant (1).
Genome position (GRCh38, 1-based): chrX:49,231,705, C>T on the plus strand (G>A on the coding strand, the complement: CACNA1F is on the minus strand). VCF-style: chrX-49231705-C-T. GRCh37 (hg19) VCF-style: chrX-49088167-C-T.
Other names: c.248G>A, p.Arg83Gln (NM_005183.4); c.66-13G>A (NM_001256790.3); short protein forms R83Q.
Identifiers: ClinVar variation 859587 (VCV000859587.9), dbSNP rs782263474, ClinGen allele CA10411114.

ClinVar aggregate classification (germline): Uncertain significance (1 of 4 stars; one submission).

Allele frequency attached by ClinVar (database versions not stated): gnomAD exomes 0.00001 and 0.00002; TOPMed 0.00002; ExAC 0.00005.
gnomAD v4.1: 12 of 1,211,980 alleles (0.00099%); highest among the groups gnomAD compares: Admixed American, 0.0022%; no homozygotes.

Submission:

Labcorp Genetics (formerly Invitae), Labcorp
Classification: Uncertain significance. Last evaluated: 2025-02-14. Review status: criteria provided, single submitter. Criteria: Invitae Variant Classification Sherloc (09022015). Collection method: clinical testing. Allele origin: germline.
Comment: This sequence change replaces arginine, which is basic and polar, with glutamine, which is neutral and polar, at codon 83 of the CACNA1F protein (p.Arg83Gln). This variant is present in population databases (rs782263474, gnomAD 0.005%). This variant has not been reported in the literature in individuals affected with CACNA1F-related conditions. ClinVar contains an entry for this variant (Variation ID: 859587). An algorithm developed to predict the effect of missense changes on protein structure and function outputs the following: PolyPhen-2: "Possibly Damaging". The glutamine amino acid residue is found in multiple mammalian species, which suggests that this missense change does not adversely affect protein function. In summary, the available evidence is currently insufficient to determine the role of this variant in disease. Therefore, it has been classified as a Variant of Uncertain Significance.